The following is an entry in ClinVar:

ClinVar aggregate classification (germline): Benign/Likely benign. Review status: criteria provided, multiple submitters, no conflicts (2 of 4 stars). 4 submissions from 4 submitters: Benign (1); Likely benign (2). 1 of the submissions does not count toward it. Last evaluated 2026-01-15.

Conditions:
RMND1-related disorder. Also called: RMND1-related condition.

Allele frequency attached by ClinVar (database versions not stated): TOPMed 0.00036; ExAC 0.00073; gnomAD 0.00014 and 0.00012; gnomAD exomes 0.00086 and 0.00017.
gnomAD v4.1: 262 of 1,612,126 alleles (0.016%); highest among the groups gnomAD compares: Admixed American, 0.44%; 3 homozygotes.

Submissions (5):

Labcorp Genetics (formerly Invitae), Labcorp
Classification: Likely benign. Last evaluated: 2026-01-15. Review status: criteria provided, single submitter. Criteria: Invitae Variant Classification Sherloc (09022015). Collection method: clinical testing. Allele origin: germline.

Mayo Clinic Laboratories, Mayo Clinic
Classification: Benign. Last evaluated: 2025-01-03. Review status: criteria provided, single submitter. Criteria: ACMG Guidelines, 2015. Collection method: clinical testing. Allele origin: germline. Observed: 1 variant allele.
Comment: BA1, BP4

GeneDx
Classification: Likely benign. Last evaluated: 2019-08-01. Review status: criteria provided, single submitter. Criteria: GeneDx Variant Classification Process June 2021. Collection method: clinical testing. Allele origin: germline. Affected: yes.

PreventionGenetics, part of Exact Sciences
Classification: Likely benign for RMND1-related condition. Last evaluated: 2022-05-09. Review status: no assertion criteria provided. Collection method: clinical testing. Allele origin: germline. Not counted in ClinVar's aggregate classification.
Comment: This variant is classified as likely benign based on ACMG/AMP sequence variant interpretation guidelines (Richards et al. 2015 PMID: 25741868, with internal and published modifications).

Dr. Peter K. Rogan Lab, Western University
No classification provided (evidence only). Condition: Clear cell carcinoma of kidney. Review status: no classification provided. Collection method: in vitro. Allele origin: not applicable. Functional consequence: retained intron. Not counted in ClinVar's aggregate classification.

NM_017909.4(RMND1):c.794A>G (p.His265Arg)

Gene: RMND1 (required for meiotic nuclear division 1 homolog; minus strand). Cytogenetic location: 6q25.1.
Variant type: single nucleotide variant.
Coding change: c.794A>G on transcript NM_017909.4 (MANE Select); coding-DNA position 794, A replaced by G.
Protein change: p.His265Arg; replaces histidine 265 with arginine.
Molecular consequence: missense variant.
Genome position (GRCh38, 1-based): chr6:151,427,518, T>C on the plus strand (A>G on the coding strand, the complement: RMND1 is on the minus strand). VCF-style: chr6-151427518-T-C. GRCh37 (hg19) VCF-style: chr6-151748653-T-C.
Other names: p.His265Arg; c.284A>G, p.His95Arg (NM_001271937.2); short protein forms H95R, H265R.
Identifiers: ClinVar variation 769698 (VCV000769698.15), dbSNP rs751043998, ClinGen allele CA4050913.